The following is an entry in ClinVar:

ClinVar aggregate classification (germline): Uncertain significance (1 of 4 stars; one submission).

Conditions:
ALG1-congenital disorder of glycosylation. Also called: CONGENITAL DISORDER OF GLYCOSYLATION, TYPE Ik; CDG Ik; ALG1-CDG. Identifiers: Orphanet 79327, MedGen C2931005, MONDO:0012052, OMIM 608540.

Submission:

Labcorp Genetics (formerly Invitae), Labcorp
Classification: Uncertain significance for ALG1-congenital disorder of glycosylation. Last evaluated: 2025-02-15. Review status: criteria provided, single submitter. Criteria: Invitae Variant Classification Sherloc (09022015). Collection method: clinical testing. Allele origin: germline.
Comment: This sequence change replaces arginine, which is basic and polar, with glycine, which is neutral and non-polar, at codon 99 of the ALG1 protein (p.Arg99Gly). This variant is not present in population databases (gnomAD no frequency). This variant has not been reported in the literature in individuals affected with ALG1-related conditions. Invitae Evidence Modeling of protein sequence and biophysical properties (such as structural, functional, and spatial information, amino acid conservation, physicochemical variation, residue mobility, and thermodynamic stability) has been performed for this missense variant. However, the output from this modeling did not meet the statistical confidence thresholds required to predict the impact of this variant on ALG1 protein function. In summary, the available evidence is currently insufficient to determine the role of this variant in disease. Therefore, it has been classified as a Variant of Uncertain Significance.

NM_019109.5(ALG1):c.295C>G (p.Arg99Gly)

Gene: ALG1 (ALG1 chitobiosyldiphosphodolichol beta-mannosyltransferase; plus strand). Cytogenetic location: 16p13.3.
Variant type: single nucleotide variant.
Coding change: c.295C>G on transcript NM_019109.5 (MANE Select); coding-DNA position 295, C replaced by G.
Protein change: p.Arg99Gly; replaces arginine 99 with glycine.
Molecular consequence: missense variant. On other transcripts: 5 prime UTR variant (1).
Genome position (GRCh38, 1-based): chr16:5,073,161, C>G. VCF-style: chr16-5073161-C-G. GRCh37 (hg19) VCF-style: chr16-5123162-C-G.
Other names: c.-39C>G (NM_001330504.2); c.295C>G, p.Arg99Gly (NM_001438123.1); short protein forms R99G.
Identifiers: ClinVar variation 4802903 (VCV004802903.1).
Genomic context (GRCh38, chr16:5,073,161, plus strand): 5'-TGCAGATTGCCAGACGCTCCTTTGGTAGTCACAGGTGTTTTCTGACTTGCAGTTGGGCCC[C>G]GAGTTTTCCAGTACGGAGTCAAAGTTGTACTTCAGGCTATGTACTTGCTGTGGAAGTTGA-3'
Protein context (NP_061982.3, residues 89-109): TELQSLAVGP[Arg99Gly]VFQYGVKVVL